The following is an entry in ClinVar:

ClinVar aggregate classification (germline): Uncertain significance (1 of 4 stars; one submission).

Submission:

Ambry Genetics
Classification: Uncertain significance. Last evaluated: 2023-07-08. Review status: criteria provided, single submitter. Criteria: Ambry Variant Classification Scheme 2023. Collection method: clinical testing. Allele origin: germline.
Comment: The p.E389Q variant (also known as c.1165G>C), located in coding exon 8 of the POLQ gene, results from a G to C substitution at nucleotide position 1165. The glutamic acid at codon 389 is replaced by glutamine, an amino acid with highly similar properties. This amino acid position is conserved. In addition, this alteration is predicted to be tolerated by in silico analysis. Since supporting evidence is limited at this time, the clinical significance of this alteration remains unclear.

NM_199420.4(POLQ):c.1165G>C (p.Glu389Gln)

Gene: POLQ (DNA polymerase theta; minus strand). Cytogenetic location: 3q13.33.
Variant type: single nucleotide variant.
Coding change: c.1165G>C on transcript NM_199420.4 (MANE Select); coding-DNA position 1165, G replaced by C.
Protein change: p.Glu389Gln; replaces glutamic acid 389 with glutamine.
Molecular consequence: missense variant.
Genome position (GRCh38, 1-based): chr3:121,522,093, C>G on the plus strand (G>C on the coding strand, the complement: POLQ is on the minus strand). VCF-style: chr3-121522093-C-G. GRCh37 (hg19) VCF-style: chr3-121240940-C-G.
Other names: short protein forms E389Q.
Identifiers: ClinVar variation 2625828 (VCV002625828.2), dbSNP rs2546811712, ClinGen allele CA354121811.